The following is an entry in ClinVar:

NC_000009.11:g.(?_131267182)_(131283375_?)del

Gene: GLE1 (GLE1 RNA export mediator; plus strand). Cytogenetic location: 9q34.11.
Variant type: Deletion.
Identifiers: ClinVar variation 3245299 (VCV003245299.1).

ClinVar aggregate classification (germline): Pathogenic (1 of 4 stars; one submission).

Submission:

Labcorp Genetics (formerly Invitae), Labcorp
Classification: Pathogenic. Last evaluated: 2023-09-09. Review status: criteria provided, single submitter. Criteria: Invitae Variant Classification Sherloc (09022015). Collection method: clinical testing. Allele origin: unknown.
Comment: For these reasons, this variant has been classified as Pathogenic. This variant disrupts a region of the GLE1 protein in which other variant(s) (exon 2 skipping) have been determined to be pathogenic (PMID: 27684565). This suggests that this is a clinically significant region of the protein, and that variants that disrupt it are likely to be disease-causing. This variant has not been reported in the literature in individuals affected with GLE1-related conditions. This variant results in the deletion of exons 2-3 and part of exon 1 (c.98_433-1572del) of the GLE1 gene. It is expected to disrupt RNA splicing. Variants that disrupt the donor or acceptor splice site typically lead to a loss of protein function (PMID: 16199547), and loss-of-function variants in GLE1 are known to be pathogenic (PMID: 18204449, 24243016, 27684565).

Literature cited by the submitters: PubMed 27684565; PubMed 16199547; PubMed 18204449; PubMed 24243016.